The following is an entry in ClinVar:

NM_002838.5(PTPRC):c.547C>T (p.Arg183Cys)

Gene: PTPRC (protein tyrosine phosphatase receptor type C; plus strand). Cytogenetic location: 1q32.1.
Variant type: single nucleotide variant.
Coding change: c.547C>T on transcript NM_002838.5 (MANE Select); coding-DNA position 547, C replaced by T.
Protein change: p.Arg183Cys; replaces arginine 183 with cysteine.
Molecular consequence: missense variant. On other transcripts: intron variant (1).
Genome position (GRCh38, 1-based): chr1:198,702,494, C>T. VCF-style: chr1-198702494-C-T. GRCh37 (hg19) VCF-style: chr1-198671623-C-T.
Other names: c.541C>T (NM_002838.3); c.101-804C>T (NM_080921.4); short protein forms R183C.
Identifiers: ClinVar variation 645320 (VCV000645320.9), dbSNP rs561155698, ClinGen allele CA36182882.

ClinVar aggregate classification (germline): Uncertain significance. Review status: criteria provided, multiple submitters, no conflicts (2 of 4 stars). 3 submissions from 3 submitters: Uncertain significance (3). Last evaluated 2025-08-10.

Conditions:
Inborn genetic diseases. Identifiers: MedGen C0950123, MeSH D030342.
Immunodeficiency 104. Also called: SCID, AUTOSOMAL RECESSIVE, T CELL-NEGATIVE, B CELL-POSITIVE, NK CELL-POSITIVE; Severe combined immunodeficiency, autosomal recessive, T cell-negative, B cell-positive, NK cell-positive; IMMUNODEFICIENCY 104, SEVERE COMBINED; Severe Combined Immune Deficiency, Autosomal Recessive, TCell -Negative, B Cell-Positive, NK Cell-Positive, IL7R-Related. Identifiers: MedGen C5676890, MONDO:0012163, OMIM 608971.

Allele frequency attached by ClinVar (database versions not stated): TOPMed 0.00002; gnomAD exomes 0.00003; gnomAD 0.00004.
gnomAD v4.1: 50 of 1,614,186 alleles (0.0031%); highest among the groups gnomAD compares: Middle Eastern, 0.15%; no homozygotes.

Submissions (3):

Ambry Genetics
Classification: Uncertain significance for Inborn genetic diseases. Last evaluated: 2025-08-10. Review status: criteria provided, single submitter. Criteria: Ambry Variant Classification Scheme 2023. Collection method: clinical testing. Allele origin: germline.

Labcorp Genetics (formerly Invitae), Labcorp
Classification: Uncertain significance for Immunodeficiency 104. Last evaluated: 2024-10-28. Review status: criteria provided, single submitter. Criteria: Invitae Variant Classification Sherloc (09022015). Collection method: clinical testing. Allele origin: germline.
Comment: This sequence change replaces arginine, which is basic and polar, with cysteine, which is neutral and slightly polar, at codon 183 of the PTPRC protein (p.Arg183Cys). This variant is not present in population databases (gnomAD no frequency). This variant has not been reported in the literature in individuals affected with PTPRC-related conditions. ClinVar contains an entry for this variant (Variation ID: 645320). An algorithm developed to predict the effect of missense changes on protein structure and function (PolyPhen-2) suggests that this variant¬†is likely to be tolerated. In summary, the available evidence is currently insufficient to determine the role of this variant in disease. Therefore, it has been classified as a Variant of Uncertain Significance.

Breakthrough Genomics
Classification: Uncertain significance. Review status: criteria provided, single submitter. Criteria: ACMG Guidelines, 2015. Collection method: not provided. Allele origin: germline. Inheritance: Autosomal recessive inheritance. Affected: yes.